The following is an entry in ClinVar:

NM_020693.4(DSCAML1):c.4634C>T (p.Thr1545Met)

Gene: DSCAML1 (DS cell adhesion molecule like 1; minus strand). Cytogenetic location: 11q23.3.
Variant type: single nucleotide variant.
Coding change: c.4634C>T on transcript NM_020693.4 (MANE Select); coding-DNA position 4634, C replaced by T.
Protein change: p.Thr1545Met; replaces threonine 1545 with methionine.
Molecular consequence: missense variant.
Genome position (GRCh38, 1-based): chr11:117,437,208, G>A on the plus strand (C>T on the coding strand, the complement: DSCAML1 is on the minus strand). VCF-style: chr11-117437208-G-A. GRCh37 (hg19) VCF-style: chr11-117307924-G-A.
Other names: short protein forms T1545M.
Identifiers: ClinVar variation 2046839 (VCV002046839.4), dbSNP rs2047936988, ClinGen allele CA382758678.

ClinVar aggregate classification (germline): Uncertain significance (1 of 4 stars; one submission).

Allele frequency attached by ClinVar (database versions not stated): TOPMed below 0.00001; gnomAD 0.00001; gnomAD exomes below 0.00001.
gnomAD v4.1: 7 of 1,614,068 alleles (0.00043%); highest among the groups gnomAD compares: South Asian, 0.0011%; no homozygotes.

Submission:

Labcorp Genetics (formerly Invitae), Labcorp
Classification: Uncertain significance. Last evaluated: 2023-02-05. Review status: criteria provided, single submitter. Criteria: Invitae Variant Classification Sherloc (09022015). Collection method: clinical testing. Allele origin: germline.
Comment: This variant is not present in population databases (gnomAD no frequency). This sequence change replaces threonine, which is neutral and polar, with methionine, which is neutral and non-polar, at codon 1605 of the DSCAML1 protein (p.Thr1605Met). In summary, the available evidence is currently insufficient to determine the role of this variant in disease. Therefore, it has been classified as a Variant of Uncertain Significance. Algorithms developed to predict the effect of missense changes on protein structure and function (SIFT, PolyPhen-2, Align-GVGD) all suggest that this variant is likely to be disruptive. This variant has not been reported in the literature in individuals affected with DSCAML1-related conditions.